The following is an entry in ClinVar:

NM_005687.5(FARSB):c.1529T>G (p.Ile510Ser)

Gene: FARSB (phenylalanyl-tRNA synthetase subunit beta; minus strand). Cytogenetic location: 2q36.1.
Variant type: single nucleotide variant.
Coding change: c.1529T>G on transcript NM_005687.5 (MANE Select); coding-DNA position 1529, T replaced by G.
Protein change: p.Ile510Ser; replaces isoleucine 510 with serine.
Molecular consequence: missense variant. On other transcripts: non-coding transcript variant (1).
Genome position (GRCh38, 1-based): chr2:222,600,017, A>C on the plus strand (T>G on the coding strand, the complement: FARSB is on the minus strand). VCF-style: chr2-222600017-A-C. GRCh37 (hg19) VCF-style: chr2-223464736-A-C.
Other names: short protein forms I510S.
Identifiers: ClinVar variation 1947676 (VCV001947676.5), dbSNP rs745671879, ClinGen allele CA2136317.
Genomic context (GRCh38, chr2:222,600,017, plus strand): 5'-TTGTCTTCACCAGGAGGCACATCGAGCAACTGCATAATTCTGTCCAGCAGCCCATGAATG[A>C]TCTCAAACCCAGGATTCTTGTTGTAATAAACAGCACAGAGATGTCTGTAGTTTTTTGCAC-3'
Protein context (NP_005678.3, residues 500-520): VYYNKNPGFE[Ile510Ser]IHGLLDRIMQ

ClinVar aggregate classification (germline): Uncertain significance (1 of 4 stars; one submission).

Allele frequency attached by ClinVar (database versions not stated): TOPMed below 0.00001.
gnomAD v4.1: 10 of 1,612,248 alleles (0.00062%); highest among the groups gnomAD compares: Admixed American, 0.017%; no homozygotes.

Submission:

Labcorp Genetics (formerly Invitae), Labcorp
Classification: Uncertain significance. Last evaluated: 2022-03-18. Review status: criteria provided, single submitter. Criteria: Invitae Variant Classification Sherloc (09022015). Collection method: clinical testing. Allele origin: germline.
Comment: This sequence change replaces isoleucine, which is neutral and non-polar, with serine, which is neutral and polar, at codon 510 of the FARSB protein (p.Ile510Ser). This variant is present in population databases (rs745671879, gnomAD 0.03%). This variant has not been reported in the literature in individuals affected with FARSB-related conditions. Algorithms developed to predict the effect of missense changes on protein structure and function are either unavailable or do not agree on the potential impact of this missense change (SIFT: "Deleterious"; PolyPhen-2: "Benign"; Align-GVGD: "Class C35"). In summary, the available evidence is currently insufficient to determine the role of this variant in disease. Therefore, it has been classified as a Variant of Uncertain Significance.